The following is an entry in ClinVar:

ClinVar aggregate classification (germline): Likely benign (0 of 4 stars; one submission).

Conditions:
NRP2-related disorder. Also called: NRP2-related condition.

gnomAD v4.1: 1 of 1,614,010 alleles (0.000062%); highest among the groups gnomAD compares: African/African-American, 0.0013%; no homozygotes.

Submission:

PreventionGenetics, part of Exact Sciences
Classification: Likely benign for NRP2-related condition. Last evaluated: 2022-11-22. Review status: no assertion criteria provided. Collection method: clinical testing. Allele origin: germline.
Comment: This variant is classified as likely benign based on ACMG/AMP sequence variant interpretation guidelines (Richards et al. 2015 PMID: 25741868, with internal and published modifications).

NM_003872.3(NRP2):c.1291+6G>A

Gene: NRP2 (neuropilin 2; plus strand). Cytogenetic location: 2q33.3.
Variant type: single nucleotide variant.
Coding change: c.1291+6G>A on transcript NM_003872.3 (MANE Select); 6 bases into the intron after coding-DNA position 1291, G replaced by A.
Molecular consequence: intron variant.
Genome position (GRCh38, 1-based): chr2:205,740,669, G>A. VCF-style: chr2-205740669-G-A. GRCh37 (hg19) VCF-style: chr2-206605393-G-A.
Other names: c.1291+6G>A (NM_201266.2, NM_201279.2, NM_018534.4 and 2 more transcripts).
Identifiers: ClinVar variation 3354302 (VCV003354302.1).
Genomic context (GRCh38, chr2:205,740,669, plus strand): 5'-ACCTGGCACTCAGGTATCGCCCTCCGGCTGGAGCTCTTCGGCTGCCGGGTCACAGGTGAG[G>A]TGGGGGCTCCAATGAGGTTGGGGTGCTGATTGAGCCCTAGGCTCTGCTCCCTTTCAACTC-3'